The following is an entry in ClinVar:

ClinVar aggregate classification (germline): Pathogenic (1 of 4 stars; one submission).

Conditions:
Wilson disease (WND). Also called: Wilson's disease. Identifiers: Orphanet 905, MedGen C0019202, MONDO:0010200, OMIM 277900. Disease mechanism: loss of function.

Submission:

Chongqing Key Laboratory of Child Rare Diseases in Infection and Immunity, Children’s Hospital of Chongqing Medical University
Classification: Pathogenic for Wilson disease. Last evaluated: 2024-01-01. Review status: criteria provided, single submitter. Criteria: ACMG Guidelines, 2015. Collection method: clinical testing. Allele origin: germline. Inheritance: Autosomal recessive inheritance. Affected: yes.
Comment: Classified as Pathogenic according to the ACMG/AMP 2015 guidelines (PMID:25741868). The classification was based on the available submitted evidence for Wilson disease (OMIM:277900), including clinical-testing observations, variant consequence/protein annotation, and published or ClinVar evidence where available. Supporting information considered: variant annotation: p.Ile942SerfsTer25; Frameshift; Protein domain: P-domain-enriched; submitted notation: NM_000053.4:c.2824del (p.Ile942SerfsTer25); source variant type: Frameshift; source domain: P-domain-enriched; allele count n=230: 1.

NM_000053.4(ATP7B):c.2824del (p.Ile942fs)

Gene: ATP7B (ATPase copper transporting beta; minus strand). Cytogenetic location: 13q14.3.
Variant type: Deletion.
Coding change: c.2824del on transcript NM_000053.4 (MANE Select); coding-DNA position 2824, one base deleted (A; older notation c.2824delA).
Protein change: p.Ile942fs; shifts the reading frame from isoleucine 942.
Molecular consequence: frameshift variant. On other transcripts: intron variant (6).
Genome position (GRCh38, 1-based): chr13:51,949,703, T deleted on the plus strand (A on the coding strand, the reverse complement: ATP7B is on the minus strand); the first of 2 consecutive T bases (chr13:51,949,703-51,949,704); deleting either gives the same sequence. VCF-style (leftmost placement, unchanged base first): chr13-51949702-AT-A. GRCh37 (hg19) VCF-style: chr13-52523838-AT-A.
Other names: c.2476del, p.Ile826fs (NM_001406543.1); c.2242del, p.Ile748fs (NM_001406544.1); c.2176del, p.Ile726fs (NM_001406545.1, NM_001406547.1); c.2338del, p.Ile780fs (NM_001406546.1, NM_001406541.1, NM_001406542.1); c.1534del, p.Ile512fs (NM_001406548.1); c.2811+13del (NM_001406516.1, NM_001406515.1); c.2244+304del (NM_001005918.3); c.2577+13del (NM_001406534.1); and 12 more; short protein forms I512fs, I726fs, I748fs, I780fs, I799fs, I826fs, I831fs, I832fs.
Identifiers: ClinVar variation 4852551 (VCV004852551.1).